The following is an entry in ClinVar:

NM_015335.5(MED13L):c.3469C>T (p.Gln1157Ter)

Gene: MED13L (mediator complex subunit 13L; minus strand). Cytogenetic location: 12q24.21.
Variant type: single nucleotide variant.
Coding change: c.3469C>T on transcript NM_015335.5 (MANE Select); coding-DNA position 3469, C replaced by T.
Protein change: p.Gln1157Ter; replaces glutamine 1157 with a stop codon.
Molecular consequence: nonsense.
Genome position (GRCh38, 1-based): chr12:115,991,485, G>A on the plus strand (C>T on the coding strand, the complement: MED13L is on the minus strand). VCF-style: chr12-115991485-G-A. GRCh37 (hg19) VCF-style: chr12-116429290-G-A.
Other names: short protein forms Q1157*.
Identifiers: ClinVar variation 489304 (VCV000489304.6), dbSNP rs1555245108, ClinGen allele CA386887670.

ClinVar aggregate classification (germline): Pathogenic (1 of 4 stars; one submission).

Conditions:
Cardiac anomalies - developmental delay - facial dysmorphism syndrome (MRFACD). Also called: MED13L Syndrome; Impaired intellectual development and distinctive facial features with or without cardiac defects. Identifiers: Orphanet 369891, MedGen C5192431, MONDO:0014773, OMIM 616789.
MED13L-related disorder. Also called: MED13L-related condition.

Submission:

GeneDx
Classification: Pathogenic. Last evaluated: 2020-01-08. Review status: criteria provided, single submitter. Criteria: GeneDx Variant Classification Process June 2021. Collection method: clinical testing. Allele origin: germline. Affected: yes.
Comment: Nonsense variant predicted to result in protein truncation or nonsense mediated decay in a gene for which loss-of-function is a known mechanism of disease; Not observed in large population cohorts (Lek et al., 2016); Has not been previously published as pathogenic or benign to our knowledge